The following is an entry in ClinVar:

NM_004006.3(DMD):c.8435T>C (p.Leu2812Pro)

Gene: DMD (dystrophin; minus strand). Cytogenetic location: Xp21.2.
Variant type: single nucleotide variant.
Coding change: c.8435T>C on transcript NM_004006.3 (MANE Select); coding-DNA position 8435, T replaced by C.
Protein change: p.Leu2812Pro; replaces leucine 2812 with proline.
Molecular consequence: missense variant.
Genome position (GRCh38, 1-based): chrX:31,496,900, A>G on the plus strand (T>C on the coding strand, the complement: DMD is on the minus strand). VCF-style: chrX-31496900-A-G. GRCh37 (hg19) VCF-style: chrX-31515017-A-G.
Other names: c.8411T>C, p.Leu2804Pro (NM_000109.4); c.1055T>C, p.Leu352Pro (NM_004020.4, NM_004021.3, NM_004022.3 and 2 more transcripts); c.8423T>C, p.Leu2808Pro (NM_004009.3); c.8066T>C, p.Leu2689Pro (NM_004010.3); c.4412T>C, p.Leu1471Pro (NM_004011.4); c.4403T>C, p.Leu1468Pro (NM_004012.4); c.248T>C, p.Leu83Pro (NM_004014.3); short protein forms L83P, L1468P, L1471P, L2808P, L2689P, L2812P, L2804P, L352P.
Identifiers: ClinVar variation 1763372 (VCV001763372.2), dbSNP rs2525735163, ClinGen allele CA412655593.

ClinVar aggregate classification (germline): Uncertain significance (1 of 4 stars; one submission).

Conditions:
Cardiovascular phenotype. Identifiers: MedGen CN230736.

Allele frequency attached by ClinVar (database versions not stated): gnomAD exomes below 0.00001.
gnomAD v4.1: 1 of 1,211,032 alleles (0.000083%); highest among the groups gnomAD compares: African/African-American, 0.0017%; no homozygotes.

Submission:

Ambry Genetics
Classification: Uncertain significance for Cardiovascular phenotype. Last evaluated: 2020-12-21. Review status: criteria provided, single submitter. Criteria: Ambry Variant Classification Scheme 2023. Collection method: clinical testing. Allele origin: germline.
Comment: The p.L2812P variant (also known as c.8435T>C), located in coding exon 57 of the DMD gene, results from a T to C substitution at nucleotide position 8435. The leucine at codon 2812 is replaced by proline, an amino acid with similar properties. This amino acid position is well conserved in available vertebrate species. In addition, the in silico prediction for this alteration is inconclusive. Since supporting evidence is limited at this time, the clinical significance of this alteration remains unclear.